The following is an entry in ClinVar:

NM_001330078.2(NRXN1):c.157G>A (p.Glu53Lys)

Gene: NRXN1 (neurexin 1; minus strand). Cytogenetic location: 2p16.3.
Variant type: single nucleotide variant.
Coding change: c.157G>A on transcript NM_001330078.2 (MANE Select); coding-DNA position 157, G replaced by A.
Protein change: p.Glu53Lys; replaces glutamic acid 53 with lysine.
Molecular consequence: missense variant.
Genome position (GRCh38, 1-based): chr2:51,028,117, C>T on the plus strand (G>A on the coding strand, the complement: NRXN1 is on the minus strand). VCF-style: chr2-51028117-C-T. GRCh37 (hg19) VCF-style: chr2-51255255-C-T.
Other names: c.157G>A, p.Glu53Lys (NM_001135659.3, NM_001330077.2, NM_001330079.2 and 15 more transcripts); short protein forms E53K.
Identifiers: ClinVar variation 967841 (VCV000967841.9), dbSNP rs1323402886, ClinGen allele CA346824580.

ClinVar aggregate classification (germline): Uncertain significance (1 of 4 stars; one submission).

Conditions:
Pitt-Hopkins-like syndrome 2 (PTHSL2). Identifiers: Orphanet 221150, Orphanet 600663, MedGen C3280479, MONDO:0013690, OMIM 614325.

Allele frequency attached by ClinVar (database versions not stated): gnomAD 0.00001; gnomAD exomes 0.00001; TOPMed 0.00001.
gnomAD v4.1: 5 of 1,573,910 alleles (0.00032%); highest among the groups gnomAD compares: African/African-American, 0.0013%; no homozygotes.

Submission:

Labcorp Genetics (formerly Invitae), Labcorp
Classification: Uncertain significance for Pitt-Hopkins-like syndrome 2. Last evaluated: 2020-02-02. Review status: criteria provided, single submitter. Criteria: Invitae Variant Classification Sherloc (09022015). Collection method: clinical testing. Allele origin: germline.
Comment: In summary, the available evidence is currently insufficient to determine the role of this variant in disease. Therefore, it has been classified as a Variant of Uncertain Significance. Algorithms developed to predict the effect of missense changes on protein structure and function are either unavailable or do not agree on the potential impact of this missense change (SIFT: "Tolerated"; PolyPhen-2: "Possibly Damaging"; Align-GVGD: "Class C0"). This variant has not been reported in the literature in individuals with NRXN1-related conditions. This variant is not present in population databases (ExAC no frequency). This sequence change replaces glutamic acid with lysine at codon 53 of the NRXN1 protein (p.Glu53Lys). The glutamic acid residue is highly conserved and there is a small physicochemical difference between glutamic acid and lysine.